The following is an entry in ClinVar:

NM_197968.4(ZMYM2):c.3820+2T>C

Gene: ZMYM2 (zinc finger MYM-type containing 2; plus strand). Cytogenetic location: 13q12.11.
Variant type: single nucleotide variant.
Coding change: c.3820+2T>C on transcript NM_197968.4 (MANE Select); the canonical splice donor site of the intron after coding-DNA position 3820, T replaced by C.
Molecular consequence: splice donor variant.
Genome position (GRCh38, 1-based): chr13:20,083,034, T>C. VCF-style: chr13-20083034-T-C. GRCh37 (hg19) VCF-style: chr13-20657174-T-C.
Other names: c.3559+2T>C (NM_001353163.2); c.3820+2T>C (NM_001353157.2, NM_001353164.2, NM_001353159.2 and 4 more transcripts); c.3625+2T>C (NM_001353161.3).
Identifiers: ClinVar variation 3345081 (VCV003345081.2).

ClinVar aggregate classification (germline): Uncertain significance. Review status: criteria provided, single submitter (1 of 4 stars). 2 submissions from 2 submitters: Uncertain significance (1). 1 of the submissions does not count toward it. Last evaluated 2025-07-08.

Conditions:
ZMYM2-related disorder. Also called: ZMYM2-related condition.
Neurodevelopmental-craniofacial syndrome with variable renal and cardiac abnormalities. Identifiers: MedGen C5561984, MONDO:0859190, OMIM 619522.

Submissions (2):

3billion
Classification: Uncertain significance for Neurodevelopmental-craniofacial syndrome with variable renal and cardiac abnormalities. Last evaluated: 2025-07-08. Review status: criteria provided, single submitter. Criteria: ACMG Guidelines, 2015. Collection method: clinical testing. Allele origin: germline. Affected: yes.
Comment: The variant is not observed in the gnomAD v4.1.0 dataset. Predicted Consequence/Location: Canonical splice site: predicted to alter splicing and result in a loss or disruption of normal protein function. Multiple pathogenic loss-of-function variants are reported downstream of the variant. However, no downstream pathogenic variants are reported in predicetd truncated region. In silico tools predict the variant to alter splicing and produce an abnormal transcript [SpliceAI: 0.98 (spliceogenicity >=0.2, non-spliceogenicity <0.1)]. The variant has been reported as of uncertain significance (ClinVar ID: VCV003345081). Therefore, this variant is classified as VUS according to the recommendation of ACMG/AMP guideline.

PreventionGenetics, part of Exact Sciences
Classification: Uncertain significance for ZMYM2-related condition. Last evaluated: 2024-05-28. Review status: no assertion criteria provided. Collection method: clinical testing. Allele origin: germline. Not counted in ClinVar's aggregate classification.
Comment: The ZMYM2 c.3820+2T>C variant is predicted to disrupt the GT donor site and interfere with normal splicing. To our knowledge, this variant has not been reported in the literature or in a large population database, indicating this variant is rare. To date, all the loss-of-function variants documented in the literature are upstream of the c.3820+2T>C variant. Although we suspect that this variant may be pathogenic, at this time, the clinical significance of this variant is uncertain due to the absence of conclusive functional and genetic evidence.